The following is an entry in ClinVar:

NM_001368882.1(COL13A1):c.467C>A (p.Ser156Tyr)

Gene: COL13A1 (collagen type XIII alpha 1 chain; plus strand). Cytogenetic location: 10q22.1.
Variant type: single nucleotide variant.
Coding change: c.467C>A on transcript NM_001368882.1 (MANE Select); coding-DNA position 467, C replaced by A.
Protein change: p.Ser156Tyr; replaces serine 156 with tyrosine.
Molecular consequence: missense variant. On other transcripts: 5 prime UTR variant (1), intron variant (5).
Genome position (GRCh38, 1-based): chr10:69,880,507, C>A. VCF-style: chr10-69880507-C-A. GRCh37 (hg19) VCF-style: chr10-71640263-C-A.
Other names: c.440C>A, p.Ser147Tyr (NM_001130103.2, NM_080800.4, NM_080801.4 and 1 more transcripts); c.467C>A, p.Ser156Tyr (NM_001320951.2, NM_001368884.1); c.431C>A, p.Ser144Tyr (NM_001368883.1, NM_001368885.1); c.-134C>A (NM_001368886.1); c.377C>A, p.Ser126Tyr (NM_001368895.1); c.400-6949C>A (NM_080805.4, NM_001368897.1); c.373-6949C>A (NM_001368898.1, NM_080798.4, NM_001368896.1); short protein forms S126Y, S156Y, S147Y, S144Y.
Identifiers: ClinVar variation 1899535 (VCV001899535.2), dbSNP rs141069345, ClinGen allele CA5534175.

ClinVar aggregate classification (germline): Uncertain significance (1 of 4 stars; one submission).

Allele frequency attached by ClinVar (database versions not stated): 1000 Genomes Project 30x 0.00031; 1000 Genomes Project 0.00040.
gnomAD v4.1: 14 of 1,609,850 alleles (0.00087%); highest among the groups gnomAD compares: African/African-American, 0.013%; no homozygotes.

Submission:

Labcorp Genetics (formerly Invitae), Labcorp
Classification: Uncertain significance. Last evaluated: 2022-07-30. Review status: criteria provided, single submitter. Criteria: Invitae Variant Classification Sherloc (09022015). Collection method: clinical testing. Allele origin: germline.
Comment: This sequence change replaces serine, which is neutral and polar, with tyrosine, which is neutral and polar, at codon 147 of the COL13A1 protein (p.Ser147Tyr). This variant is present in population databases (rs141069345, gnomAD 0.007%). This variant has not been reported in the literature in individuals affected with COL13A1-related conditions. Algorithms developed to predict the effect of missense changes on protein structure and function are either unavailable or do not agree on the potential impact of this missense change (SIFT: "Deleterious"; PolyPhen-2: "Benign"; Align-GVGD: "Class C15"). In summary, the available evidence is currently insufficient to determine the role of this variant in disease. Therefore, it has been classified as a Variant of Uncertain Significance.